The following is an entry in ClinVar:

NM_000302.4(PLOD1):c.2124T>C (p.His708=)

Gene: PLOD1 (procollagen-lysine,2-oxoglutarate 5-dioxygenase 1; plus strand). Cytogenetic location: 1p36.22.
Variant type: single nucleotide variant.
Coding change: c.2124T>C on transcript NM_000302.4 (MANE Select); coding-DNA position 2124, T replaced by C.
Protein change: p.His708=; no amino-acid change (histidine 708 retained).
Molecular consequence: synonymous variant.
Genome position (GRCh38, 1-based): chr1:11,974,748, T>C. VCF-style: chr1-11974748-T-C. GRCh37 (hg19) VCF-style: chr1-12034805-T-C.
Other names: p.His708=; c.2265T>C, p.His755= (NM_001316320.2).
Identifiers: ClinVar variation 263886 (VCV000263886.69), dbSNP rs879690, ClinGen allele CA598679.
Genomic context (GRCh38, chr1:11,974,748, plus strand): 5'-CATCCGAGCCCCAAGGAAGGGCTGGACCCTCATGCACCCTGGACGACTCACGCATTACCA[T>C]GAGGGGCTCCCCACCACCAGGGGCACCCGCTACATCGCAGTCTCCTTCGTCGATCCCTAA-3'
Protein context (NP_000293.2, residues 698-718): LMHPGRLTHY[His708=]EGLPTTRGTR

ClinVar aggregate classification (germline): Benign. Review status: criteria provided, multiple submitters, no conflicts (2 of 4 stars). 11 submissions from 11 submitters: Benign (9). 2 of the submissions do not count toward it. Last evaluated 2026-02-04.

Conditions:
Ehlers-Danlos syndrome, kyphoscoliotic type 1 (EDSKSCL1). Also called: EHLERS-DANLOS SYNDROME, OCULAR-SCOLIOTIC TYPE; PLOD1-Related Kyphoscoliotic Ehlers-Danlos Syndrome; EHLERS-DANLOS SYNDROME, TYPE VIA; Ehlers-Danlos syndrome, hydroxylysine-deficient. Identifiers: Orphanet 1900, MedGen C0268342, MONDO:0016002, OMIM 225400. Disease mechanism: loss of function.
Familial thoracic aortic aneurysm and aortic dissection (TAAD). Also called: Thoracic aortic aneurysms and dissections. Identifiers: Orphanet 91387, MedGen C4707243, MONDO:0019625.

Allele frequency attached by ClinVar (database versions not stated): gnomAD exomes 0.00971 and 0.02011; ExAC 0.02244; gnomAD 0.04396 and 0.04545; ESP Exome Variant Server 0.04936; TOPMed 0.04955; 1000 Genomes Project 0.06130; 1000 Genomes Project 30x 0.06293.
gnomAD v4.1: 21,259 of 1,613,982 alleles (1.3%); highest among the groups gnomAD compares: African/African-American, 14%; 870 homozygotes.

Submissions (11):

Labcorp Genetics (formerly Invitae), Labcorp
Classification: Benign for Ehlers-Danlos syndrome, kyphoscoliotic type 1. Last evaluated: 2026-02-04. Review status: criteria provided, single submitter. Criteria: Invitae Variant Classification Sherloc (09022015). Collection method: clinical testing. Allele origin: germline.

ARUP Laboratories, Molecular Genetics and Genomics, ARUP Laboratories
Classification: Benign for Ehlers-Danlos syndrome, kyphoscoliotic type 1. Last evaluated: 2025-05-26. Review status: criteria provided, single submitter. Criteria: ARUP Molecular Germline Variant Investigation Process 2024. Collection method: clinical testing. Allele origin: germline.

Molecular Diagnostic Laboratory for Inherited Cardiovascular Disease, Montreal Heart Institute
Classification: Benign. Last evaluated: 2025-04-09. Review status: criteria provided, single submitter. Criteria: ACMG Guidelines, 2015. Collection method: clinical testing. Allele origin: germline. Affected: no.

Women's Health and Genetics/Laboratory Corporation of America, LabCorp
Classification: Benign. Last evaluated: 2023-07-21. Review status: criteria provided, single submitter. Criteria: LabCorp Variant Classification Summary - May 2015. Collection method: clinical testing. Allele origin: germline.

Mayo Clinic Laboratories, Mayo Clinic
Classification: Benign. Last evaluated: 2019-03-13. Review status: criteria provided, single submitter. Criteria: ACMG Guidelines, 2015. Collection method: clinical testing. Allele origin: germline. Observed: 85 variant alleles.

Illumina Laboratory Services, Illumina
Classification: Benign for Ehlers-Danlos syndrome, kyphoscoliotic type 1. Last evaluated: 2018-01-13. Review status: criteria provided, single submitter. Criteria: ICSL Variant Classification Criteria 13 December 2019. Collection method: clinical testing. Allele origin: germline.
Comment: This variant was observed in the ICSL laboratory as part of a predisposition screen in an ostensibly healthy population. It had not been previously curated by ICSL or reported in the Human Gene Mutation Database (HGMD: prior to June 1st, 2018), and was therefore a candidate for classification through an automated scoring system. Utilizing variant allele frequency, disease prevalence and penetrance estimates, and inheritance mode, an automated score was calculated to assess if this variant is too frequent to cause the disease. Based on the score and internal cut-off values, a variant classified as benign is not then subjected to further curation. The score for this variant resulted in a classification of benign for this disease.

GeneDx
Classification: Benign. Last evaluated: 2016-10-26. Review status: criteria provided, single submitter. Criteria: GeneDx Variant Classification (06012015). Collection method: clinical testing. Allele origin: germline. Affected: yes.
Comment: This variant is considered likely benign or benign based on one or more of the following criteria: it is a conservative change, it occurs at a poorly conserved position in the protein, it is predicted to be benign by multiple in silico algorithms, and/or has population frequency not consistent with disease.

Ambry Genetics
Classification: Benign for Familial thoracic aortic aneurysm and aortic dissection. Last evaluated: 2015-02-03. Review status: criteria provided, single submitter. Criteria: Ambry Variant Classification Scheme 2023. Collection method: clinical testing. Allele origin: germline.

Breakthrough Genomics
Classification: Benign. Review status: criteria provided, single submitter. Criteria: ACMG Guidelines, 2015. Collection method: not provided. Allele origin: germline. Inheritance: Autosomal recessive inheritance. Affected: yes.

Genome Diagnostics Laboratory, Amsterdam University Medical Center
Classification: Benign. Review status: no assertion criteria provided. Collection method: clinical testing. Allele origin: germline. Affected: yes. Study: VKGL Data-share Consensus. Not counted in ClinVar's aggregate classification.

Laboratory of Diagnostic Genome Analysis, Leiden University Medical Center (LUMC)
Classification: Likely benign. Review status: no assertion criteria provided. Collection method: clinical testing. Allele origin: germline. Affected: yes. Study: VKGL Data-share Consensus. Not counted in ClinVar's aggregate classification.